The following is an entry in ClinVar:

ClinVar aggregate classification (germline): Benign. Review status: criteria provided, multiple submitters, no conflicts (2 of 4 stars). 2 submissions from 2 submitters: Benign (2). Last evaluated 2025-02-16.

Conditions:
Leigh syndrome (NULS). Also called: Leigh's necrotizing encephalopathy; Leigh's disease; Leigh's syndrome; LEIGH SYNDROME, NUCLEAR; Leigh Syndrome (mtDNA deletion); Leigh Disease. Identifiers: Orphanet 506, MedGen C2931891, MONDO:0009723, OMIM 256000.

Submissions (2):

Laboratory of Genetics, Children's Clinical University Hospital Latvia
Classification: Benign. Last evaluated: 2025-02-16. Review status: criteria provided, single submitter. Criteria: ACMG Guidelines, 2015. Collection method: clinical testing. Allele origin: germline. Affected: yes.

Wong Mito Lab, Molecular and Human Genetics, Baylor College of Medicine
Classification: Benign for Leigh syndrome. Last evaluated: 2019-10-17. Review status: criteria provided, single submitter. Criteria: Modified ACMG Guidelines (Unpublished). Collection method: clinical testing. Allele origin: germline.
Comment: The NC_012920.1:m.15519T>C (YP_003024038.1:p.Leu258Pro) variant in MTCYB gene is interpretated to be a Benign variant based on the modified ACMG guidelines (unpublished). This variant meets the following evidence codes: BS1, BS2, BP4

NC_012920.1(MT-CYB):m.15519T>C

Gene: MT-CYB (mitochondrially encoded cytochrome b; plus strand).
Variant type: single nucleotide variant.
Genome position: chrM-15519-T-C.
Identifiers: ClinVar variation 693896 (VCV000693896.2), dbSNP rs200913192, ClinGen allele CA337100431.